The following is an entry in ClinVar:

NM_001723.7(DST):c.5575C>T (p.Gln1859Ter)

Gene: DST (dystonin; minus strand). Cytogenetic location: 6p12.1.
Variant type: single nucleotide variant.
Coding change: c.5575C>T on transcript NM_001723.7 (MANE Plus Clinical); coding-DNA position 5575, C replaced by T.
Protein change: p.Gln1859Ter; replaces glutamine 1859 with a stop codon.
Molecular consequence: nonsense. On other transcripts: intron variant (10).
Genome position (GRCh38, 1-based): chr6:56,618,459, G>A on the plus strand (C>T on the coding strand, the complement: DST is on the minus strand). VCF-style: chr6-56618459-G-A. GRCh37 (hg19) VCF-style: chr6-56483257-G-A.
Other names: c.4831-3975C>T (NM_001144769.5); c.4930-3975C>T (NM_001374722.1, NM_001374736.1); c.4957-3975C>T (NM_001374734.1); c.4417-3975C>T (NM_001144770.2); c.4297-3975C>T (NM_001374730.1, NM_001386100.1, NM_183380.4 and 1 more transcripts); c.3319-3975C>T (NM_015548.5); short protein forms Q1859*.
Identifiers: ClinVar variation 953197 (VCV000953197.8), dbSNP rs766044749, ClinGen allele CA3870338.

ClinVar aggregate classification (germline): Pathogenic (1 of 4 stars; one submission).

Conditions:
Hereditary sensory and autonomic neuropathy type 6. Also called: Neuropathy, hereditary sensory and autonomic, type VI; HSAN VI. Identifiers: Orphanet 314381, MedGen C3539003, MONDO:0013839, OMIM 614653.
Epidermolysis bullosa simplex 3, localized or generalized intermediate, with BP230 deficiency (EBS3). Also called: Epidermolysis bullosa simplex due to BP230 deficiency; Epidermolysis bullosa simplex, autosomal recessive 2. Identifiers: Orphanet 412181, MedGen C3809470, MONDO:0014180, OMIM 615425.

Allele frequency attached by ClinVar (database versions not stated): ExAC 0.00001; gnomAD 0.00001; gnomAD exomes 0.00001 and 0.00002; TOPMed 0.00001.
gnomAD v4.1: 38 of 1,614,016 alleles (0.0024%); highest among the groups gnomAD compares: Non-Finnish European, 0.0031%; no homozygotes.

Submission:

Labcorp Genetics (formerly Invitae), Labcorp
Classification: Pathogenic for Epidermolysis bullosa simplex 3, localized or generalized intermediate, with BP230 deficiency; Hereditary sensory and autonomic neuropathy type 6. Last evaluated: 2024-10-07. Review status: criteria provided, single submitter. Criteria: Invitae Variant Classification Sherloc (09022015). Collection method: clinical testing. Allele origin: germline.
Comment: This sequence change creates a premature translational stop signal (p.Gln1859*) in the DST gene. It is expected to result in an absent or disrupted protein product. Loss-of-function variants in DST are known to be pathogenic (PMID: 22522446, 25059916, 30371979). This variant is present in population databases (rs766044749, gnomAD 0.003%). This variant has not been reported in the literature in individuals affected with DST-related conditions. ClinVar contains an entry for this variant (Variation ID: 953197). For these reasons, this variant has been classified as Pathogenic.

Literature cited by the submitters: PubMed 22522446; PubMed 25059916; PubMed 30371979.